The following is an entry in ClinVar:

ClinVar aggregate classification (germline): Uncertain significance (1 of 4 stars; one submission).

Submission:

Labcorp Genetics (formerly Invitae), Labcorp
Classification: Uncertain significance. Last evaluated: 2025-09-13. Review status: criteria provided, single submitter. Criteria: Invitae Variant Classification Sherloc (09022015). Collection method: clinical testing. Allele origin: germline.
Comment: This sequence change replaces tryptophan, which is neutral and slightly polar, with glycine, which is neutral and non-polar, at codon 92 of the NTHL1 protein (p.Trp92Gly). This variant is not present in population databases (gnomAD no frequency). This variant has not been reported in the literature in individuals affected with NTHL1-related conditions. An algorithm developed to predict the effect of missense changes on protein structure and function (PolyPhen-2) suggests that this variant is likely to be disruptive. In summary, the available evidence is currently insufficient to determine the role of this variant in disease. Therefore, it has been classified as a Variant of Uncertain Significance.

NM_002528.7(NTHL1):c.250T>G (p.Trp84Gly)

Gene: NTHL1 (nth like DNA glycosylase 1; minus strand). Cytogenetic location: 16p13.3.
Variant type: single nucleotide variant.
Coding change: c.250T>G on transcript NM_002528.7 (MANE Select); coding-DNA position 250, T replaced by G.
Protein change: p.Trp84Gly; replaces tryptophan 84 with glycine.
Molecular consequence: missense variant. On other transcripts: intron variant (1).
Genome position (GRCh38, 1-based): chr16:2,046,232, A>C on the plus strand (T>G on the coding strand, the complement: NTHL1 is on the minus strand). VCF-style: chr16-2046232-A-C. GRCh37 (hg19) VCF-style: chr16-2096233-A-C.
Other names: c.250T>G, p.Trp84Gly (NM_001318193.2); c.24+48T>G (NM_001318194.2); short protein forms W84G.
Identifiers: ClinVar variation 4701955 (VCV004701955.1).